The following is an entry in ClinVar:

NM_032242.4(PLXNA1):c.2848G>A (p.Ala950Thr)

Gene: PLXNA1 (plexin A1; plus strand). Cytogenetic location: 3q21.3.
Variant type: single nucleotide variant.
Coding change: c.2848G>A on transcript NM_032242.4 (MANE Select); coding-DNA position 2848, G replaced by A.
Protein change: p.Ala950Thr; replaces alanine 950 with threonine.
Molecular consequence: missense variant.
Genome position (GRCh38, 1-based): chr3:127,014,802, G>A. VCF-style: chr3-127014802-G-A. GRCh37 (hg19) VCF-style: chr3-126733645-G-A.
Other names: c.2848G>A (NM_032242.3); short protein forms A950T.
Identifiers: ClinVar variation 2958751 (VCV002958751.4), dbSNP rs758567414, ClinGen allele CA2593790.
Genomic context (GRCh38, chr3:127,014,802, plus strand): 5'-GTGCGTGCCCATGACGCCCTGGTGGAGGTGTGTGTGCGGGACTGCTCACCACACTACCGC[G>A]CCCTGTCACCCAAGCGCTTCACCTTCGTGGTGAGTCTGCTGCCCTCCCTCTCTCCCTATT-3'
Protein context (NP_115618.3, residues 940-960): CVRDCSPHYR[Ala950Thr]LSPKRFTFVT

ClinVar aggregate classification (germline): Uncertain significance. Review status: criteria provided, multiple submitters, no conflicts (2 of 4 stars). 2 submissions from 2 submitters: Uncertain significance (2). Last evaluated 2026-01-05.

Conditions:
PLXNA1-related disorder. Also called: PLXNA1-related condition.

Allele frequency attached by ClinVar (database versions not stated): ExAC 0.00001; TOPMed 0.00001; gnomAD exomes 0.00003.

Submissions (2):

PreventionGenetics, part of Exact Sciences
Classification: Uncertain significance for PLXNA1-related condition. Last evaluated: 2026-01-05. Review status: criteria provided, single submitter. Criteria: ACMG Guidelines, 2015. Collection method: clinical testing. Allele origin: germline.
Comment: The PLXNA1 c.2848G>A variant is predicted to result in the amino acid substitution p.Ala950Thr. To our knowledge, this variant has not been reported in the literature. This variant is reported in 0.0031% of alleles in individuals of European (Non-Finnish) descent in gnomAD. At this time, the clinical significance of this variant is uncertain due to the absence of conclusive functional and genetic evidence.

Labcorp Genetics (formerly Invitae), Labcorp
Classification: Uncertain significance. Last evaluated: 2023-08-10. Review status: criteria provided, single submitter. Criteria: Invitae Variant Classification Sherloc (09022015). Collection method: clinical testing. Allele origin: germline.
Comment: In summary, the available evidence is currently insufficient to determine the role of this variant in disease. Therefore, it has been classified as a Variant of Uncertain Significance. An algorithm developed to predict the effect of missense changes on protein structure and function (PolyPhen-2) suggests that this variant is likely to be tolerated. This variant has not been reported in the literature in individuals affected with PLXNA1-related conditions. This variant is present in population databases (rs758567414, gnomAD 0.003%). This sequence change replaces alanine, which is neutral and non-polar, with threonine, which is neutral and polar, at codon 950 of the PLXNA1 protein (p.Ala950Thr).